The following is an entry in ClinVar:

ClinVar aggregate classification (germline): Uncertain significance. Review status: criteria provided, single submitter (1 of 4 stars). 2 submissions from 2 submitters: Uncertain significance (1). 1 of the submissions does not count toward it. Last evaluated 2023-05-09.

Conditions:
Neurodevelopmental disorder with motor regression, progressive spastic paraplegia, and oromotor dysfunction (NEDRSO). Identifiers: MedGen C5882695, MONDO:0957791, OMIM 620515.

Allele frequency attached by ClinVar (database versions not stated): gnomAD 0.00002; gnomAD exomes below 0.00001; TOPMed 0.00002.
gnomAD v4.1: 5 of 1,613,844 alleles (0.00031%); highest among the groups gnomAD compares: African/African-American, 0.0027%; no homozygotes.

Submissions (2):

GeneDx
Classification: Uncertain significance. Last evaluated: 2023-05-09. Review status: criteria provided, single submitter. Criteria: GeneDx Variant Classification Process June 2021. Collection method: clinical testing. Allele origin: germline. Affected: yes.
Comment: Observed with a second SNAPC4 variant on the opposite allele (in trans) in a patient with poor growth, developmental regression, spasticity, dystonia, oromotor dysfunction, inability to walk, and atrophy of the cerebellum and striatum in published literature (Frost et al., 2023); In silico analysis supports that this missense variant has a deleterious effect on protein structure/function; In silico analysis suggests this variant may impact gene splicing. In the absence of RNA/functional studies, the actual effect of this sequence change is unknown.; Variants in candidate genes are classified as variants of uncertain significance in accordance with ACMG guidelines (Richards et al., 2015); This variant is associated with the following publications: (PMID: 36965478)

OMIM
Classification: Pathogenic for NEURODEVELOPMENTAL DISORDER WITH MOTOR REGRESSION, PROGRESSIVE SPASTIC PARAPLEGIA, AND OROMOTOR DYSFUNCTION. Last evaluated: 2023-09-27. Review status: no assertion criteria provided. Collection method: literature only. Allele origin: germline. Not counted in ClinVar's aggregate classification.

Literature cited by the submitters: PubMed 36965478 (cited by OMIM).

NM_003086.4(SNAPC4):c.595G>A (p.Asp199Asn)

Gene: SNAPC4 (small nuclear RNA activating complex polypeptide 4; minus strand). Cytogenetic location: 9q34.3.
Variant type: single nucleotide variant.
Coding change: c.595G>A on transcript NM_003086.4 (MANE Select); coding-DNA position 595, G replaced by A.
Protein change: p.Asp199Asn; replaces aspartic acid 199 with asparagine.
Molecular consequence: missense variant.
Genome position (GRCh38, 1-based): chr9:136,394,286, C>T on the plus strand (G>A on the coding strand, the complement: SNAPC4 is on the minus strand). VCF-style: chr9-136394286-C-T. GRCh37 (hg19) VCF-style: chr9-139288738-C-T.
Other names: c.595G>A, p.Asp199Asn (NM_001394201.1, NM_001394202.1, NM_001394203.1); c.595G>A (NM_003086.2); short protein forms D199N.
Identifiers: ClinVar variation 2580884 (VCV002580884.2), dbSNP rs1012333538, ClinGen allele CA201596401.